The following is an entry in ClinVar:

NM_015100.4(POGZ):c.1839T>G (p.His613Gln)

Gene: POGZ (pogo transposable element derived with ZNF domain; minus strand). Cytogenetic location: 1q21.3.
Variant type: single nucleotide variant.
Coding change: c.1839T>G on transcript NM_015100.4 (MANE Select); coding-DNA position 1839, T replaced by G.
Protein change: p.His613Gln; replaces histidine 613 with glutamine.
Molecular consequence: missense variant.
Genome position (GRCh38, 1-based): chr1:151,411,712, A>C on the plus strand (T>G on the coding strand, the complement: POGZ is on the minus strand). VCF-style: chr1-151411712-A-C. GRCh37 (hg19) VCF-style: chr1-151384188-A-C.
Other names: c.1812T>G, p.His604Gln (NM_001194937.2); c.1653T>G, p.His551Gln (NM_001194938.2); c.1554T>G, p.His518Gln (NM_145796.4); c.1680T>G, p.His560Gln (NM_207171.2); short protein forms H518Q, H551Q, H560Q, H604Q, H613Q.
Identifiers: ClinVar variation 1313582 (VCV001313582.2), dbSNP rs2102189472, ClinGen allele CA341963193.
Genomic context (GRCh38, chr1:151,411,712, plus strand): 5'-TGCATTGCCATTTTTGAAGACCTTCAGGCAATAAGGGCAGAGCAGATGCCGGGTATCCTC[A>C]TGGATCATCCGAAAATGGACATCTACCTCAGAGTAGAGTGAGGAGCGATATTGACACACC-3'
Protein context (NP_055915.2, residues 603-623): SEVDVHFRMI[His613Gln]EDTRHLLCPY

ClinVar aggregate classification (germline): Uncertain significance (1 of 4 stars; one submission).

Submission:

GeneDx
Classification: Uncertain significance. Last evaluated: 2020-11-02. Review status: criteria provided, single submitter. Criteria: GeneDx Variant Classification Process June 2021. Collection method: clinical testing. Allele origin: germline. Affected: yes.
Comment: Not observed in large population cohorts (Lek et al., 2016); In silico analysis supports that this missense variant has a deleterious effect on protein structure/function; Has not been previously published as pathogenic or benign to our knowledge